The following is an entry in ClinVar:

NM_001252024.2(TRPM1):c.942G>A (p.Ala314=)

Gene: TRPM1 (transient receptor potential cation channel subfamily M member 1; minus strand). Cytogenetic location: 15q13.3.
Variant type: single nucleotide variant.
Coding change: c.942G>A on transcript NM_001252024.2 (MANE Select); coding-DNA position 942, G replaced by A.
Protein change: p.Ala314=; no amino-acid change (alanine 314 retained).
Molecular consequence: synonymous variant.
Genome position (GRCh38, 1-based): chr15:31,063,141, C>T on the plus strand (G>A on the coding strand, the complement: TRPM1 is on the minus strand). VCF-style: chr15-31063141-C-T. GRCh37 (hg19) VCF-style: chr15-31355344-C-T.
Other names: c.993G>A, p.Ala331= (NM_001252020.2); c.876G>A, p.Ala292= (NM_002420.6); c.993G>A (NM_001252020.1).
Identifiers: ClinVar variation 315531 (VCV000315531.14), dbSNP rs768420045, ClinGen allele CA7452763.
Genomic context (GRCh38, chr15:31,063,141, plus strand): 5'-TACGAACCCGCCCTTCCTCGCGCGTCAGAAATCCTACCCGCCTTCTTCACAGTACTTGTG[C>T]GCAAAGGACAGGATGTCCGAGGCACGTCCGCTGCCATCACAAATCACCACAGGGATGGGA-3'
Protein context (NP_001238953.1, residues 304-324): SGRASDILSF[Ala314=]HKYCEEGGII

ClinVar aggregate classification (germline): Conflicting classifications of pathogenicity. Review status: criteria provided, conflicting classifications (1 of 4 stars). 3 submissions from 3 submitters: Uncertain significance (1); Likely benign (2). Last evaluated 2026-07-29.

Conditions:
Congenital stationary night blindness 1C. Also called: Night blindness, congenital stationary (complete), 1C, autosomal recessive. Identifiers: Orphanet 215, MedGen C2750747, MONDO:0013183, OMIM 613216.
TRPM1-related disorder. Also called: TRPM1-related condition.

Allele frequency attached by ClinVar (database versions not stated): gnomAD 0.00002; gnomAD exomes 0.00002 and 0.00003; TOPMed 0.00002; ExAC 0.00003.
gnomAD v4.1: 46 of 1,614,114 alleles (0.0028%); highest among the groups gnomAD compares: South Asian, 0.0077%; no homozygotes.

Submissions (3):

PreventionGenetics, part of Exact Sciences
Classification: Likely benign for TRPM1-related condition. Last evaluated: 2026-07-29. Review status: criteria provided, single submitter. Criteria: ACMG Guidelines, 2015. Collection method: clinical testing. Allele origin: germline.
Comment: This variant is classified as likely benign based on ACMG/AMP sequence variant interpretation guidelines (Richards et al. 2015 PMID: 25741868, with internal and published modifications).

Labcorp Genetics (formerly Invitae), Labcorp
Classification: Likely benign. Last evaluated: 2023-01-13. Review status: criteria provided, single submitter. Criteria: Invitae Variant Classification Sherloc (09022015). Collection method: clinical testing. Allele origin: germline.

Illumina Laboratory Services, Illumina
Classification: Uncertain significance for Congenital stationary night blindness 1C. Last evaluated: 2018-01-13. Review status: criteria provided, single submitter. Criteria: ICSL Variant Classification Criteria 13 December 2019. Collection method: clinical testing. Allele origin: germline.